The following is an entry in ClinVar:

ClinVar aggregate classification (germline): Likely benign (0 of 4 stars; one submission).

Conditions:
PLXNA1-related disorder. Also called: PLXNA1-related condition.

Submission:

PreventionGenetics, part of Exact Sciences
Classification: Likely benign for PLXNA1-related condition. Last evaluated: 2024-05-16. Review status: no assertion criteria provided. Collection method: clinical testing. Allele origin: germline.
Comment: This variant is classified as likely benign based on ACMG/AMP sequence variant interpretation guidelines (Richards et al. 2015 PMID: 25741868, with internal and published modifications).

NM_032242.4(PLXNA1):c.174G>A (p.Glu58=)

Gene: PLXNA1 (plexin A1; plus strand). Cytogenetic location: 3q21.3.
Variant type: single nucleotide variant.
Coding change: c.174G>A on transcript NM_032242.4 (MANE Select); coding-DNA position 174, G replaced by A.
Protein change: p.Glu58=; no amino-acid change (glutamic acid 58 retained).
Molecular consequence: synonymous variant.
Genome position (GRCh38, 1-based): chr3:126,988,767, G>A. VCF-style: chr3-126988767-G-A. GRCh37 (hg19) VCF-style: chr3-126707610-G-A.
Identifiers: ClinVar variation 3346886 (VCV003346886.1).